The following is an entry in ClinVar:

ClinVar aggregate classification (germline): Uncertain significance (1 of 4 stars; one submission).

Allele frequency attached by ClinVar (database versions not stated): TOPMed below 0.00001; gnomAD 0.00001; gnomAD exomes 0.00001.
gnomAD v4.1: 6 of 1,613,978 alleles (0.00037%); highest among the groups gnomAD compares: Non-Finnish European, 0.00051%; no homozygotes.

Submission:

Labcorp Genetics (formerly Invitae), Labcorp
Classification: Uncertain significance. Last evaluated: 2025-05-23. Review status: criteria provided, single submitter. Criteria: Invitae Variant Classification Sherloc (09022015). Collection method: clinical testing. Allele origin: germline.
Comment: This sequence change replaces arginine, which is basic and polar, with leucine, which is neutral and non-polar, at codon 398 of the MTOR protein (p.Arg398Leu). This variant is not present in population databases (gnomAD no frequency). This variant has not been reported in the literature in individuals affected with MTOR-related conditions. ClinVar contains an entry for this variant (Variation ID: 660902). Invitae Evidence Modeling of protein sequence and biophysical properties (such as structural, functional, and spatial information, amino acid conservation, physicochemical variation, residue mobility, and thermodynamic stability) indicates that this missense variant is not expected to disrupt MTOR protein function with a negative predictive value of 95%. In summary, the available evidence is currently insufficient to determine the role of this variant in disease. Therefore, it has been classified as a Variant of Uncertain Significance.

NM_004958.4(MTOR):c.1193G>T (p.Arg398Leu)

Gene: MTOR (mechanistic target of rapamycin kinase; minus strand). Cytogenetic location: 1p36.22.
Variant type: single nucleotide variant.
Coding change: c.1193G>T on transcript NM_004958.4 (MANE Select); coding-DNA position 1193, G replaced by T.
Protein change: p.Arg398Leu; replaces arginine 398 with leucine.
Molecular consequence: missense variant.
Genome position (GRCh38, 1-based): chr1:11,247,657, C>A on the plus strand (G>T on the coding strand, the complement: MTOR is on the minus strand). VCF-style: chr1-11247657-C-A. GRCh37 (hg19) VCF-style: chr1-11307714-C-A.
Other names: c.1193G>T (LRG_734t1); short protein forms R398L.
Identifiers: ClinVar variation 660902 (VCV000660902.10), dbSNP rs1322607710, ClinGen allele CA338399064.
Genomic context (GRCh38, chr1:11,247,657, plus strand): 5'-TAATGATGTCTTCCATGGACATCCTCACCTGTGAAGGCAGAAGGTCGGAATGCAGCCAAG[C>A]GGGGCAACAAATTAAGGATTGTCATTTGGATCAGCGAGTTCTTGCTATTCCTGCATTTCA-3'
Protein context (NP_004949.1, residues 388-408): IQMTILNLLP[Arg398Leu]LAAFRPSAFT